The following is an entry in ClinVar:

NM_020922.5(WNK3):c.4015-4T>C

Gene: WNK3 (WNK lysine deficient protein kinase 3; minus strand). Cytogenetic location: Xp11.22.
Variant type: single nucleotide variant.
Coding change: c.4015-4T>C on transcript NM_020922.5 (MANE Select); 4 bases into the intron before coding-DNA position 4015, T replaced by C.
Molecular consequence: intron variant.
Genome position (GRCh38, 1-based): chrX:54,237,555, A>G on the plus strand (T>C on the coding strand, the complement: WNK3 is on the minus strand). VCF-style: chrX-54237555-A-G. GRCh37 (hg19) VCF-style: chrX-54263988-A-G.
Other names: c.3874-4T>C (NM_001002838.4).
Identifiers: ClinVar variation 718262 (VCV000718262.28), dbSNP rs368191307, ClinGen allele CA10424260.

ClinVar aggregate classification (germline): Likely benign. Review status: criteria provided, multiple submitters, no conflicts (2 of 4 stars). 2 submissions from 2 submitters: Likely benign (2). Last evaluated 2026-04-01.

Allele frequency attached by ClinVar (database versions not stated): ExAC 0.00018; gnomAD 0.00018 and 0.00019; gnomAD exomes 0.00018 and 0.00024; TOPMed 0.00021; ESP Exome Variant Server 0.00028.
gnomAD v4.1: 229 of 1,151,530 alleles (0.02%); highest among the groups gnomAD compares: Middle Eastern, 0.82%; no homozygotes.

Submissions (2):

CeGaT Center for Human Genetics Tuebingen
Classification: Likely benign. Last evaluated: 2026-04-01. Review status: criteria provided, single submitter. Criteria: CeGaT Center For Human Genetics Tuebingen Variant Classification Criteria Version 2. Collection method: clinical testing. Allele origin: germline. Affected: yes. Observed: 3 variant alleles.
Comment: WNK3: BP4, BS2

Labcorp Genetics (formerly Invitae), Labcorp
Classification: Likely benign. Last evaluated: 2019-12-31. Review status: criteria provided, single submitter. Criteria: Invitae Variant Classification Sherloc (09022015). Collection method: clinical testing. Allele origin: germline.